The following is an entry in ClinVar:

ClinVar aggregate classification (germline): Uncertain significance. Review status: criteria provided, multiple submitters, no conflicts (2 of 4 stars). 2 submissions from 2 submitters: Uncertain significance (2). Last evaluated 2024-06-06.

Conditions:
Cardiovascular phenotype. Identifiers: MedGen CN230736.

Allele frequency attached by ClinVar (database versions not stated): gnomAD exomes below 0.00001; ExAC 0.00001.
gnomAD v4.1: 2 of 1,613,942 alleles (0.00012%); highest among the groups gnomAD compares: Non-Finnish European, 0.000085%; no homozygotes.

Submissions (2):

Blueprint Genetics
Classification: Uncertain significance. Last evaluated: 2024-06-06. Review status: criteria provided, single submitter. Criteria: ACMG Guidelines, 2015. Collection method: clinical testing. Allele origin: germline.

Ambry Genetics
Classification: Uncertain significance for Cardiovascular phenotype. Last evaluated: 2020-04-13. Review status: criteria provided, single submitter. Criteria: Ambry Variant Classification Scheme 2023. Collection method: clinical testing. Allele origin: germline.
Comment: The p.R215H variant (also known as c.644G>A), located in coding exon 5 of the RAF1 gene, results from a G to A substitution at nucleotide position 644. The arginine at codon 215 is replaced by histidine, an amino acid with highly similar properties. This amino acid position is highly conserved in available vertebrate species. In addition, the in silico prediction for this alteration is inconclusive. Since supporting evidence is limited at this time, the clinical significance of this alteration remains unclear.

NM_002880.4(RAF1):c.644G>A (p.Arg215His)

Gene: RAF1 (Raf-1 proto-oncogene, serine/threonine kinase; minus strand). Cytogenetic location: 3p25.2.
Variant type: single nucleotide variant.
Coding change: c.644G>A on transcript NM_002880.4 (MANE Select); coding-DNA position 644, G replaced by A.
Protein change: p.Arg215His; replaces arginine 215 with histidine.
Molecular consequence: missense variant. On other transcripts: non-coding transcript variant (3), intron variant (2).
Genome position (GRCh38, 1-based): chr3:12,606,237, C>T on the plus strand (G>A on the coding strand, the complement: RAF1 is on the minus strand). VCF-style: chr3-12606237-C-T. GRCh37 (hg19) VCF-style: chr3-12647736-C-T.
Other names: c.644G>A, p.Arg215His (NM_001354689.3, NM_001354690.3); c.401G>A, p.Arg134His (NM_001354691.3, NM_001354692.3, NM_001354694.3); c.339-1948G>A (NM_001354695.3); c.582-1948G>A (NM_001354693.3); short protein forms R215H, R134H.
Identifiers: ClinVar variation 1753596 (VCV001753596.3), dbSNP rs769629821, ClinGen allele CA2259716.
Genomic context (GRCh38, chr3:12,606,237, plus strand): 5'-GAAAAGCTATAGGTAAAAAATTACCTAACAGGCATCCTGGAAACAGACTCTCGCATACGA[C>T]GCATAGTCAAAGAAGGTAGTGCTGGGACTCCACTATCACCAATAGTGGAATTTGGAAACA-3'
Protein context (NP_002871.1, residues 205-225): GVPALPSLTM[Arg215His]RMRESVSRMP